The following is an entry in ClinVar:

NM_198129.4(LAMA3):c.4060G>A (p.Glu1354Lys)

Gene: LAMA3 (laminin subunit alpha 3; plus strand). Cytogenetic location: 18q11.2.
Variant type: single nucleotide variant.
Coding change: c.4060G>A on transcript NM_198129.4 (MANE Select); coding-DNA position 4060, G replaced by A.
Protein change: p.Glu1354Lys; replaces glutamic acid 1354 with lysine.
Molecular consequence: missense variant.
Genome position (GRCh38, 1-based): chr18:23,847,592, G>A. VCF-style: chr18-23847592-G-A. GRCh37 (hg19) VCF-style: chr18-21427556-G-A.
Other names: c.4060G>A, p.Glu1354Lys (NM_001127717.4); short protein forms E1354K.
Identifiers: ClinVar variation 782044 (VCV000782044.33), dbSNP rs34799994, ClinGen allele CA8915473.

ClinVar aggregate classification (germline): Benign/Likely benign. Review status: criteria provided, multiple submitters, no conflicts (2 of 4 stars). 6 submissions from 6 submitters: Benign (2); Likely benign (2). 2 of the submissions do not count toward it. Last evaluated 2025-08-18.

Conditions:
LAMA3-related disorder. Also called: LAMA3-related disorders; LAMA3-related condition.

Allele frequency attached by ClinVar (database versions not stated): ESP Exome Variant Server 0.00212; TOPMed 0.00222; gnomAD exomes 0.00248 and 0.00348; 1000 Genomes Project 30x 0.00031; gnomAD 0.00221 and 0.00224; 1000 Genomes Project 0.00040; ExAC 0.00248.
gnomAD v4.1: 5,403 of 1,614,102 alleles (0.33%); highest among the groups gnomAD compares: Middle Eastern, 0.81%; 21 homozygotes.

Submissions (6):

Genomic Medicine Center of Excellence, King Faisal Specialist Hospital and Research Centre
Classification: Likely benign. Last evaluated: 2025-08-18. Review status: criteria provided, single submitter. Criteria: ACMG Guidelines, 2015. Collection method: clinical testing. Allele origin: germline.

CeGaT Center for Human Genetics Tuebingen
Classification: Likely benign. Last evaluated: 2023-12-01. Review status: criteria provided, single submitter. Criteria: CeGaT Center For Human Genetics Tuebingen Variant Classification Criteria Version 2. Collection method: clinical testing. Allele origin: germline. Affected: yes. Observed: 1 variant allele.
Comment: LAMA3: BP4, BS2

Labcorp Genetics (formerly Invitae), Labcorp
Classification: Benign. Last evaluated: 2023-10-11. Review status: criteria provided, single submitter. Criteria: Invitae Variant Classification Sherloc (09022015). Collection method: clinical testing. Allele origin: germline.

Breakthrough Genomics
Classification: Benign. Review status: criteria provided, single submitter. Criteria: ACMG Guidelines, 2015. Collection method: not provided. Allele origin: germline. Inheritance: Autosomal recessive inheritance. Affected: yes.

PreventionGenetics, part of Exact Sciences
Classification: Benign for LAMA3-related condition. Last evaluated: 2019-11-18. Review status: no assertion criteria provided. Collection method: clinical testing. Allele origin: germline. Not counted in ClinVar's aggregate classification.
Comment: This variant is classified as benign based on ACMG/AMP sequence variant interpretation guidelines (Richards et al. 2015 PMID: 25741868, with internal and published modifications).

Department of Pathology and Laboratory Medicine, Sinai Health System
Classification: Likely benign. Review status: no assertion criteria provided. Collection method: clinical testing. Allele origin: unknown. Affected: yes. Study: The Canadian Open Genetics Repository (COGR). Not counted in ClinVar's aggregate classification.
Comment: The LAMA3 p.Glu1354Lys variant was not identified in the literature nor was it identified in ClinVar or Cosmic. The variant was identified in dbSNP (ID: rs34799994) and in LOVD 3.0. The variant was identified in control databases in 677 of 280304 chromosomes (7 homozygous) at a frequency of 0.002415 increasing the likelihood this could be a low frequency benign variant (Genome Aggregation Database Feb 27, 2017). The variant was observed in the following populations: Ashkenazi Jewish in 93 of 10340 chromosomes (freq: 0.008994), Other in 27 of 7134 chromosomes (freq: 0.003785), European (non-Finnish) in 435 of 128302 chromosomes (freq: 0.00339), Latino in 51 of 35340 chromosomes (freq: 0.001443), South Asian in 43 of 30598 chromosomes (freq: 0.001405), African in 17 of 24102 chromosomes (freq: 0.000705) and European (Finnish) in 11 of 24958 chromosomes (freq: 0.000441); it was not observed in the East Asian population. The variant occurs outside of the splicing consensus sequence and in silico or computational prediction software programs (SpliceSiteFinder, MaxEntScan, NNSPLICE, and GeneSplicer) do not predict a difference in splicing. The p.Glu1354 residue is not conserved in mammals and four out of five computational analyses (PolyPhen-2, AlignGVGD, BLOSUM, and MutationTaster) do not suggest a high likelihood of impact to the protein; however, this information is not predictive enough to rule out pathogenicity. In summary, based on the above information the clinical significance of this variant cannot be determined with certainty at this time although we would lean towards a more benign role for this variant. This variant is classified as likely benign.